The following is an entry in ClinVar:

NM_001308093.3(GATA4):c.298A>G (p.Thr100Ala)

Gene: GATA4 (GATA binding protein 4). Cytogenetic location: 8p23.1.
Variant type: single nucleotide variant.
Coding change: c.298A>G on transcript NM_001308093.3 (MANE Select); coding-DNA position 298, A replaced by G.
Protein change: p.Thr100Ala; replaces threonine 100 with alanine.
Molecular consequence: missense variant. On other transcripts: intron variant (3).
Genome position (GRCh38, 1-based): chr8:11,708,610, A>G. VCF-style: chr8-11708610-A-G. GRCh37 (hg19) VCF-style: chr8-11566119-A-G.
Other names: c.298A>G, p.Thr100Ala (NM_002052.5); c.-6+7832A>G (NM_001308094.2); c.-3+596A>G (NM_001374274.1); c.-3+4306A>G (NM_001374273.1); short protein forms T100A.
Identifiers: ClinVar variation 1217867 (VCV001217867.8), dbSNP rs891667879, ClinGen allele CA172074743.

ClinVar aggregate classification (germline): Uncertain significance. Review status: criteria provided, multiple submitters, no conflicts (2 of 4 stars). 3 submissions from 3 submitters: Uncertain significance (3). Last evaluated 2025-04-03.

Conditions:
Cardiovascular phenotype. Identifiers: MedGen CN230736.
Atrioventricular septal defect 4 (AVSD4). Identifiers: MedGen C3280781, MONDO:0013747, OMIM 614430.

Allele frequency attached by ClinVar (database versions not stated): gnomAD 0.00002; gnomAD exomes below 0.00001; TOPMed 0.00002.
gnomAD v4.1: 6 of 1,340,626 alleles (0.00045%); highest among the groups gnomAD compares: African/African-American, 0.0092%; no homozygotes.

Submissions (3):

Labcorp Genetics (formerly Invitae), Labcorp
Classification: Uncertain significance for Atrioventricular septal defect 4. Last evaluated: 2025-04-03. Review status: criteria provided, single submitter. Criteria: Invitae Variant Classification Sherloc (09022015). Collection method: clinical testing. Allele origin: germline.
Comment: This sequence change replaces threonine, which is neutral and polar, with alanine, which is neutral and non-polar, at codon 100 of the GATA4 protein (p.Thr100Ala). This variant is present in population databases (no rsID available, gnomAD 0.01%). This variant has not been reported in the literature in individuals affected with GATA4-related conditions. ClinVar contains an entry for this variant (Variation ID: 1217867). Invitae Evidence Modeling of protein sequence and biophysical properties (such as structural, functional, and spatial information, amino acid conservation, physicochemical variation, residue mobility, and thermodynamic stability) indicates that this missense variant is not expected to disrupt GATA4 protein function with a negative predictive value of 95%. In summary, the available evidence is currently insufficient to determine the role of this variant in disease. Therefore, it has been classified as a Variant of Uncertain Significance.

Ambry Genetics
Classification: Uncertain significance for Cardiovascular phenotype. Last evaluated: 2023-01-08. Review status: criteria provided, single submitter. Criteria: Ambry Variant Classification Scheme 2023. Collection method: clinical testing. Allele origin: germline.
Comment: The p.T100A variant (also known as c.298A>G), located in coding exon 1 of the GATA4 gene, results from an A to G substitution at nucleotide position 298. The threonine at codon 100 is replaced by alanine, an amino acid with similar properties. This amino acid position is conserved. In addition, the in silico prediction for this alteration is inconclusive. Since supporting evidence is limited at this time, the clinical significance of this alteration remains unclear.

GeneDx
Classification: Uncertain significance. Last evaluated: 2020-11-24. Review status: criteria provided, single submitter. Criteria: GeneDx Variant Classification Process June 2021. Collection method: clinical testing. Allele origin: germline. Affected: yes.
Comment: Has not been previously published as pathogenic or benign to our knowledge; Not observed at a significant frequency in large population cohorts (Lek et al., 2016); In silico analysis supports that this missense variant does not alter protein structure/function